The following is an entry in ClinVar:

NM_003114.5(SPAG1):c.1360G>C (p.Glu454Gln)

Genes: SPAG1 (sperm associated antigen 1; plus strand), LOC130000832 (ATAC-STARR-seq lymphoblastoid silent region 19412; plus strand). Cytogenetic location: 8q22.2.
Variant type: single nucleotide variant.
Coding change: c.1360G>C on transcript NM_003114.5 (MANE Select); coding-DNA position 1360, G replaced by C.
Protein change: p.Glu454Gln; replaces glutamic acid 454 with glutamine.
Molecular consequence: missense variant.
Genome position (GRCh38, 1-based): chr8:100,213,353, G>C. VCF-style: chr8-100213353-G-C. GRCh37 (hg19) VCF-style: chr8-101225581-G-C.
Other names: c.1360G>C, p.Glu454Gln (NM_001374321.1, NM_172218.3); short protein forms E454Q.
Identifiers: ClinVar variation 242011 (VCV000242011.12), dbSNP rs878855237, ClinGen allele CA10582553.

ClinVar aggregate classification (germline): Conflicting classifications of pathogenicity. Review status: criteria provided, conflicting classifications (1 of 4 stars). 2 submissions from 2 submitters: Uncertain significance (1); Likely benign (1). Last evaluated 2024-12-20.

Conditions:
Primary ciliary dyskinesia 28. Also called: CILIARY DYSKINESIA, PRIMARY, 28, WITH OR WITHOUT SITUS INVERSUS. Identifiers: Orphanet 244, MedGen C3809706, MONDO:0014216, OMIM 615505.
Primary ciliary dyskinesia. Also called: Ciliary dyskinesia. Identifiers: Orphanet 244, MedGen C0008780, MONDO:0016575, HP:0012265.

Allele frequency attached by ClinVar (database versions not stated): gnomAD exomes 0.00008; TOPMed 0.00016; gnomAD 0.00017 and 0.00018.
gnomAD v4.1: 264 of 1,423,540 alleles (0.019%); highest among the groups gnomAD compares: Non-Finnish European, 0.024%; no homozygotes.

Submissions (2):

Ambry Genetics
Classification: Likely benign for Primary ciliary dyskinesia. Last evaluated: 2024-12-20. Review status: criteria provided, single submitter. Criteria: Ambry Variant Classification Scheme 2023. Collection method: clinical testing. Allele origin: germline.

Labcorp Genetics (formerly Invitae), Labcorp
Classification: Uncertain significance for Primary ciliary dyskinesia 28. Last evaluated: 2024-01-16. Review status: criteria provided, single submitter. Criteria: Invitae Variant Classification Sherloc (09022015). Collection method: clinical testing. Allele origin: germline.
Comment: This sequence change replaces glutamic acid, which is acidic and polar, with glutamine, which is neutral and polar, at codon 454 of the SPAG1 protein (p.Glu454Gln). This variant is present in population databases (no rsID available, gnomAD 0.02%). This variant has not been reported in the literature in individuals affected with SPAG1-related conditions. ClinVar contains an entry for this variant (Variation ID: 242011). Advanced modeling of protein sequence and biophysical properties (such as structural, functional, and spatial information, amino acid conservation, physicochemical variation, residue mobility, and thermodynamic stability) performed at Invitae indicates that this missense variant is not expected to disrupt SPAG1 protein function with a negative predictive value of 80%. In summary, the available evidence is currently insufficient to determine the role of this variant in disease. Therefore, it has been classified as a Variant of Uncertain Significance.